The following is an entry in ClinVar:

NM_001171.6(ABCC6):c.3431C>T (p.Ala1144Val)

Gene: ABCC6 (ATP binding cassette subfamily C member 6; minus strand). Cytogenetic location: 16p13.11.
Variant type: single nucleotide variant.
Coding change: c.3431C>T on transcript NM_001171.6 (MANE Select); coding-DNA position 3431, C replaced by T.
Protein change: p.Ala1144Val; replaces alanine 1144 with valine.
Molecular consequence: missense variant.
Genome position (GRCh38, 1-based): chr16:16,163,068, G>A on the plus strand (C>T on the coding strand, the complement: ABCC6 is on the minus strand). VCF-style: chr16-16163068-G-A. GRCh37 (hg19) VCF-style: chr16-16256925-G-A.
Other names: c.3089C>T, p.Ala1030Val (NM_001351800.1); short protein forms A1144V, A1030V.
Identifiers: ClinVar variation 1464491 (VCV001464491.37), dbSNP rs145553069, ClinGen allele CA7925583.

ClinVar aggregate classification (germline): Uncertain significance. Review status: criteria provided, multiple submitters, no conflicts (2 of 4 stars). 3 submissions from 3 submitters: Uncertain significance (3). Last evaluated 2022-08-16.

Conditions:
Autosomal recessive inherited pseudoxanthoma elasticum (PXE). Identifiers: Orphanet 758, MedGen CN032334, MONDO:0009925, OMIM 264800.
Pseudoxanthoma elasticum, forme fruste. Also called: Pseudoxanthoma Elasticum, Incomplete; PSEUDOXANTHOMA ELASTICUM, HETEROZYGOUS. Identifiers: Orphanet 758, MedGen C1867450, MONDO:0008333, OMIM 177850.
Arterial calcification, generalized, of infancy, 2. Identifiers: Orphanet 51608, MedGen C3276161, MONDO:0013768, OMIM 614473.

Allele frequency attached by ClinVar (database versions not stated): gnomAD exomes 0.00010; gnomAD 0.00011 and 0.00012; TOPMed 0.00011; ExAC 0.00014; ESP Exome Variant Server 0.00015.
gnomAD v4.1: 163 of 1,613,866 alleles (0.01%); highest among the groups gnomAD compares: Non-Finnish European, 0.013%; no homozygotes.

Submissions (3):

Labcorp Genetics (formerly Invitae), Labcorp
Classification: Uncertain significance. Last evaluated: 2022-08-16. Review status: criteria provided, single submitter. Criteria: Invitae Variant Classification Sherloc (09022015). Collection method: clinical testing. Allele origin: germline.
Comment: This sequence change replaces alanine, which is neutral and non-polar, with valine, which is neutral and non-polar, at codon 1144 of the ABCC6 protein (p.Ala1144Val). This variant is present in population databases (rs145553069, gnomAD 0.02%). This variant has not been reported in the literature in individuals affected with ABCC6-related conditions. ClinVar contains an entry for this variant (Variation ID: 1464491). Advanced modeling of protein sequence and biophysical properties (such as structural, functional, and spatial information, amino acid conservation, physicochemical variation, residue mobility, and thermodynamic stability) performed at Invitae indicates that this missense variant is not expected to disrupt ABCC6 protein function. Algorithms developed to predict the effect of sequence changes on RNA splicing suggest that this variant may create or strengthen a splice site. In summary, the available evidence is currently insufficient to determine the role of this variant in disease. Therefore, it has been classified as a Variant of Uncertain Significance.

Fulgent Genetics
Classification: Uncertain significance for Pseudoxanthoma elasticum, forme fruste; Autosomal recessive inherited pseudoxanthoma elasticum; Arterial calcification, generalized, of infancy, 2. Last evaluated: 2022-04-15. Review status: criteria provided, single submitter. Criteria: ACMG Guidelines, 2015. Collection method: clinical testing. Allele origin: unknown.

CeGaT Center for Human Genetics Tuebingen
Classification: Uncertain significance. Last evaluated: 2022-03-01. Review status: criteria provided, single submitter. Criteria: CeGaT Center For Human Genetics Tuebingen Variant Classification Criteria Version 2. Collection method: clinical testing. Allele origin: germline. Affected: yes. Observed: 1 variant allele.